The following is an entry in ClinVar:

ClinVar aggregate classification (germline): Conflicting classifications of pathogenicity. Review status: criteria provided, conflicting classifications (1 of 4 stars). 2 submissions from 2 submitters: Uncertain significance (1); Likely benign (1). Last evaluated 2024-01-06.

Conditions:
Focal segmental glomerulosclerosis 5 (FSGS5). Identifiers: Orphanet 656, MedGen C2750475, MONDO:0013191, OMIM 613237.
Charcot-Marie-Tooth disease dominant intermediate E. Also called: CHARCOT-MARIE-TOOTH NEUROPATHY WITH FOCAL SEGMENTAL GLOMERULONEPHRITIS. Identifiers: Orphanet 93114, MedGen C4302667, MONDO:0013758, OMIM 614455.
Inborn genetic diseases. Identifiers: MedGen C0950123, MeSH D030342.

Allele frequency attached by ClinVar (database versions not stated): gnomAD 0.00002; gnomAD exomes 0.00002 and 0.00006; ExAC 0.00007; TOPMed 0.00007.

Submissions (2):

Labcorp Genetics (formerly Invitae), Labcorp
Classification: Uncertain significance for Charcot-Marie-Tooth disease dominant intermediate E; Focal segmental glomerulosclerosis 5. Last evaluated: 2024-01-06. Review status: criteria provided, single submitter. Criteria: Invitae Variant Classification Sherloc (09022015). Collection method: clinical testing. Allele origin: germline.
Comment: This sequence change creates a premature translational stop signal (p.Pro1235Argfs*3) in the INF2 gene. While this is not anticipated to result in nonsense mediated decay, it is expected to disrupt the last 15 amino acid(s) of the INF2 protein. This variant is present in population databases (rs763988639, gnomAD 0.05%), and has an allele count higher than expected for a pathogenic variant. This variant has not been reported in the literature in individuals affected with INF2-related conditions. ClinVar contains an entry for this variant (Variation ID: 581215). Experimental studies and prediction algorithms are not available or were not evaluated, and the functional significance of this variant is currently unknown. In summary, the available evidence is currently insufficient to determine the role of this variant in disease. Therefore, it has been classified as a Variant of Uncertain Significance.

Ambry Genetics
Classification: Likely benign for Inborn genetic diseases. Last evaluated: 2023-01-23. Review status: criteria provided, single submitter. Criteria: Ambry Variant Classification Scheme 2023. Collection method: clinical testing. Allele origin: germline.

NM_022489.4(INF2):c.3704_3705del (p.Pro1235fs)

Gene: INF2 (inverted formin 2; plus strand). Cytogenetic location: 14q32.33.
Variant type: Deletion.
Coding change: c.3704_3705del on transcript NM_022489.4 (MANE Select); coding-DNA positions 3704 to 3705, 2 bases deleted (CT; older notation c.3704_3705delCT).
Protein change: p.Pro1235fs; shifts the reading frame from proline 1235.
Molecular consequence: frameshift variant. On other transcripts: intron variant (1).
Genome position (GRCh38, 1-based): chr14:104,715,293-104,715,294, CT deleted. VCF-style (leftmost placement, unchanged base first): chr14-104715292-CCT-C. GRCh37 (hg19) VCF-style: chr14-105181629-CCT-C.
Other names: c.3694+437_3694+438del (NM_001031714.4); short protein forms P1235fs.
Identifiers: ClinVar variation 581215 (VCV000581215.10), dbSNP rs763988639, ClinGen allele CA7373371.